The following is an entry in ClinVar:

ClinVar aggregate classification (germline): Uncertain significance (1 of 4 stars; one submission).

Submission:

GeneDx
Classification: Uncertain significance. Last evaluated: 2024-01-04. Review status: criteria provided, single submitter. Criteria: GeneDx Variant Classification Process June 2021. Collection method: clinical testing. Allele origin: germline. Affected: yes.
Comment: Not observed at significant frequency in large population cohorts (gnomAD); In silico analysis supports that this missense variant does not alter protein structure/function; Has not been previously published as pathogenic or benign to our knowledge

NM_001486.4(GCKR):c.346C>T (p.Leu116Phe)

Gene: GCKR (glucokinase regulator; plus strand). Cytogenetic location: 2p23.3.
Variant type: single nucleotide variant.
Coding change: c.346C>T on transcript NM_001486.4 (MANE Select); coding-DNA position 346, C replaced by T.
Protein change: p.Leu116Phe; replaces leucine 116 with phenylalanine.
Molecular consequence: missense variant.
Genome position (GRCh38, 1-based): chr2:27,498,315, C>T. VCF-style: chr2-27498315-C-T. GRCh37 (hg19) VCF-style: chr2-27721182-C-T.
Other names: short protein forms L116F.
Identifiers: ClinVar variation 3367580 (VCV003367580.1).